The following is an entry in ClinVar:

NM_001134831.2(AHI1):c.2831A>G (p.Gln944Arg)

Gene: AHI1 (Abelson helper integration site 1; minus strand). Cytogenetic location: 6q23.3.
Variant type: single nucleotide variant.
Coding change: c.2831A>G on transcript NM_001134831.2 (MANE Select); coding-DNA position 2831, A replaced by G.
Protein change: p.Gln944Arg; replaces glutamine 944 with arginine.
Molecular consequence: missense variant.
Genome position (GRCh38, 1-based): chr6:135,411,478, T>C on the plus strand (A>G on the coding strand, the complement: AHI1 is on the minus strand). VCF-style: chr6-135411478-T-C. GRCh37 (hg19) VCF-style: chr6-135732616-T-C.
Other names: c.2831A>G, p.Gln944Arg (NM_001134830.2, NM_001134832.2, NM_001350503.2 and 2 more transcripts); short protein forms Q944R.
Identifiers: ClinVar variation 376893 (VCV000376893.18), dbSNP rs142704960, ClinGen allele CA4012255.

ClinVar aggregate classification (germline): Conflicting classifications of pathogenicity. Review status: criteria provided, conflicting classifications (1 of 4 stars). 6 submissions from 6 submitters: Uncertain significance (3); Likely benign (2). 1 of the submissions does not count toward it. Last evaluated 2026-01-18.

Conditions:
AHI1-related disorder. Also called: AHI1-related condition.
Inborn genetic diseases. Identifiers: MedGen C0950123, MeSH D030342.
Joubert syndrome. Also called: Familial aplasia of the vermis; JOUBERT-BOLTSHAUSER SYNDROME. Identifiers: Orphanet 475, MedGen C5979921, MONDO:0018772.
Optic atrophy. Identifiers: MedGen C0029124, MONDO:0003608, HP:0000648.

Allele frequency attached by ClinVar (database versions not stated): gnomAD exomes 0.00004 and 0.00009; ExAC 0.00010; gnomAD 0.00029 and 0.00032; 1000 Genomes Project 30x 0.00031; 1000 Genomes Project 0.00040; TOPMed 0.00040; ESP Exome Variant Server 0.00042.
gnomAD v4.1: 106 of 1,613,238 alleles (0.0066%); highest among the groups gnomAD compares: African/African-American, 0.12%; 1 homozygote.

Submissions (6):

Labcorp Genetics (formerly Invitae), Labcorp
Classification: Likely benign for Joubert syndrome. Last evaluated: 2026-01-18. Review status: criteria provided, single submitter. Criteria: Invitae Variant Classification Sherloc (09022015). Collection method: clinical testing. Allele origin: germline.

PreventionGenetics, part of Exact Sciences
Classification: Uncertain significance for AHI1-related condition. Last evaluated: 2025-12-03. Review status: criteria provided, single submitter. Criteria: ACMG Guidelines, 2015. Collection method: clinical testing. Allele origin: germline.
Comment: The AHI1 c.2831A>G variant is predicted to result in the amino acid substitution p.Gln944Arg. To our knowledge, this variant has not been reported in the literature. This variant is reported in 0.14% of alleles in individuals of African descent in gnomAD, which may be too frequent to be the primary cause of disease. Although we suspect that this variant may be benign, at this time, the clinical significance of this variant is uncertain due to the absence of conclusive functional and genetic evidence.

Ambry Genetics
Classification: Uncertain significance for Inborn genetic diseases. Last evaluated: 2025-07-15. Review status: criteria provided, single submitter. Criteria: Ambry Variant Classification Scheme 2023. Collection method: clinical testing. Allele origin: germline.

Blueprint Genetics
Classification: Likely benign. Last evaluated: 2024-09-18. Review status: criteria provided, single submitter. Criteria: ACMG Guidelines, 2015. Collection method: clinical testing. Allele origin: germline.

Center for Pediatric Genomic Medicine, Children's Mercy Hospital and Clinics
Classification: Uncertain significance. Last evaluated: 2016-06-14. Review status: criteria provided, single submitter. Criteria: ACMG Guidelines, 2015. Collection method: clinical testing. Allele origin: germline.
ClinVar note: Converted during submission from Uncertain Significance to Uncertain significance.

Institute of Human Genetics, Univ. Regensburg, Univ. Regensburg
Classification: Uncertain significance for Optic atrophy. Last evaluated: 2023-01-01. Review status: no assertion criteria provided. Criteria: ACMG Guidelines, 2015. Collection method: clinical testing. Allele origin: germline. Affected: yes. Not counted in ClinVar's aggregate classification.